The following is an entry in ClinVar:

NM_021098.3(CACNA1H):c.1671dup (p.Ser558fs)

Gene: CACNA1H (calcium voltage-gated channel subunit alpha1 H; plus strand). Cytogenetic location: 16p13.3.
Variant type: Duplication.
Coding change: c.1671dup on transcript NM_021098.3 (MANE Select); coding-DNA position 1671, one base duplicated (C; older notation c.1671dupC).
Protein change: p.Ser558fs; shifts the reading frame from serine 558.
Molecular consequence: frameshift variant.
Genome position (GRCh38, 1-based): chr16:1,202,121, C duplicated; the last of 6 consecutive C bases (chr16:1,202,116-1,202,121); duplicating any one gives the same sequence. VCF-style (leftmost placement, unchanged base first): chr16-1202115-G-GC. GRCh37 (hg19) VCF-style: chr16-1252115-G-GC.
Other names: c.1671dup, p.Ser558fs (NM_001005407.2); short protein forms S558fs.
Identifiers: ClinVar variation 3359439 (VCV003359439.1).

ClinVar aggregate classification (germline): Uncertain significance (1 of 4 stars; one submission).

Submission:

GeneDx
Classification: Uncertain significance. Last evaluated: 2023-06-09. Review status: criteria provided, single submitter. Criteria: GeneDx Variant Classification Process June 2021. Collection method: clinical testing. Allele origin: germline. Affected: yes.
Comment: Not observed at significant frequency in large population cohorts (gnomAD); Has not been previously published as pathogenic or benign to our knowledge; Frameshift variant predicted to result in protein truncation or nonsense mediated decay in a gene for which loss of function is not a known mechanism of disease